The following is an entry in ClinVar:

ClinVar aggregate classification (germline): Uncertain significance. Review status: criteria provided, multiple submitters, no conflicts (2 of 4 stars). 4 submissions from 4 submitters: Uncertain significance (4). Last evaluated 2026-06-18.

Conditions:
Inborn genetic diseases. Identifiers: MedGen C0950123, MeSH D030342.
HK1-related disorder. Also called: HK1-related condition; HK1-related disorders.

Allele frequency attached by ClinVar (database versions not stated): gnomAD exomes 0.00002 and 0.00004; ExAC 0.00005.
gnomAD v4.1: 27 of 1,614,128 alleles (0.0017%); highest among the groups gnomAD compares: South Asian, 0.0066%; no homozygotes.

Submissions (4):

Women's Health and Genetics/Laboratory Corporation of America, LabCorp
Classification: Uncertain significance. Last evaluated: 2026-06-18. Review status: criteria provided, single submitter. Criteria: LabCorp Variant Classification Summary - May 2015. Collection method: clinical testing. Allele origin: germline.
Comment: Variant summary: HK1 c.1187G>A (p.Arg396His) results in a non-conservative amino acid change in the encoded protein sequence. Algorithms developed to predict the effect of missense changes on protein structure and function all suggest that this variant is likely to be disruptive. The variant allele was found at a frequency of 4.4e-05 in 251410 control chromosomes. This frequency is not significantly higher than estimated for disease-causing variants in HK1, allowing no conclusion about variant significance. To our knowledge, no occurrence of c.1187G>A in individuals affected with HK1-related conditions and no experimental evidence demonstrating its impact on protein function have been reported. ClinVar contains an entry for this variant (Variation ID: 1015651). Based on the evidence outlined above, the variant was classified as uncertain significance.

PreventionGenetics, part of Exact Sciences
Classification: Uncertain significance for HK1-related condition. Last evaluated: 2025-10-12. Review status: criteria provided, single submitter. Criteria: ACMG Guidelines, 2015. Collection method: clinical testing. Allele origin: germline.
Comment: The HK1 c.1187G>A variant is predicted to result in the amino acid substitution p.Arg396His. To our knowledge, this variant has not been reported in the literature. This variant is present in 0.0087% of alleles in individuals of Latino descent in gnomAD. At this time, the clinical significance of this variant is uncertain due to the absence of conclusive functional and genetic evidence.

Ambry Genetics
Classification: Uncertain significance for Inborn genetic diseases. Last evaluated: 2025-07-02. Review status: criteria provided, single submitter. Criteria: Ambry Variant Classification Scheme 2023. Collection method: clinical testing. Allele origin: germline.

Labcorp Genetics (formerly Invitae), Labcorp
Classification: Uncertain significance. Last evaluated: 2023-04-24. Review status: criteria provided, single submitter. Criteria: Invitae Variant Classification Sherloc (09022015). Collection method: clinical testing. Allele origin: germline.
Comment: This sequence change replaces arginine, which is basic and polar, with histidine, which is basic and polar, at codon 396 of the HK1 protein (p.Arg396His). This variant is present in population databases (rs771730411, gnomAD 0.009%). This variant has not been reported in the literature in individuals affected with HK1-related conditions. ClinVar contains an entry for this variant (Variation ID: 1015651). Advanced modeling of protein sequence and biophysical properties (such as structural, functional, and spatial information, amino acid conservation, physicochemical variation, residue mobility, and thermodynamic stability) performed at Invitae indicates that this missense variant is not expected to disrupt HK1 protein function. In summary, the available evidence is currently insufficient to determine the role of this variant in disease. Therefore, it has been classified as a Variant of Uncertain Significance.

NM_000188.3(HK1):c.1187G>A (p.Arg396His)

Gene: HK1 (hexokinase 1; plus strand). Cytogenetic location: 10q22.1.
Variant type: single nucleotide variant.
Coding change: c.1187G>A on transcript NM_000188.3 (MANE Select); coding-DNA position 1187, G replaced by A.
Protein change: p.Arg396His; replaces arginine 396 with histidine.
Molecular consequence: missense variant.
Genome position (GRCh38, 1-based): chr10:69,380,017, G>A. VCF-style: chr10-69380017-G-A. GRCh37 (hg19) VCF-style: chr10-71139773-G-A.
Other names: c.1199G>A, p.Arg400His (NM_001322364.2, NM_001358263.1, NM_033497.3 and 1 more transcripts); c.1292G>A, p.Arg431His (NM_001322365.2); c.1103G>A, p.Arg368His (NM_001322366.1); c.1091G>A, p.Arg364His (NM_001322367.1); c.1184G>A, p.Arg395His (NM_033496.3); c.1151G>A, p.Arg384His (NM_033500.2); c.1187G>A (NM_000188.2); short protein forms R364H, R368H, R384H, R395H, R396H, R400H, R431H.
Identifiers: ClinVar variation 1015651 (VCV001015651.12), dbSNP rs771730411, ClinGen allele CA5532529.
Genomic context (GRCh38, chr10:69,380,017, plus strand): 5'-CCATTGTCTCATTTCGCTCAGCCAACTTGGTGGCTGCCACACTGGGCGCCATCTTGAACC[G>A]CCTGCGTGATAACAAGGGCACACCCAGGCTGCGGACCACGGTTGGTGTCGACGGATCTCT-3'
Protein context (NP_000179.2, residues 386-406): VAATLGAILN[Arg396His]LRDNKGTPRL